The following is an entry in ClinVar:

ClinVar aggregate classification (germline): Uncertain significance (1 of 4 stars; one submission).

gnomAD v4.1: 1 of 1,613,446 alleles (0.000062%); highest among the groups gnomAD compares: Admixed American, 0.0017%; no homozygotes.

Submission:

GeneDx
Classification: Uncertain significance. Last evaluated: 2026-03-11. Review status: criteria provided, single submitter. Criteria: GeneDx Variant Classification Process June 2021. Collection method: clinical testing. Allele origin: germline.
Comment: Not observed at significant frequency in large population cohorts (gnomAD); Missense variant in a gene in which most reported pathogenic variants are truncating/loss of function; Has not been previously published as pathogenic or benign to our knowledge

NM_001267550.2(TTN):c.22706C>T (p.Thr7569Ile)

Gene: TTN (titin; minus strand). Cytogenetic location: 2q31.2.
Variant type: single nucleotide variant.
Coding change: c.22706C>T on transcript NM_001267550.2 (MANE Select); coding-DNA position 22706, C replaced by T.
Protein change: p.Thr7569Ile; replaces threonine 7569 with isoleucine.
Molecular consequence: missense variant. On other transcripts: intron variant (3).
Genome position (GRCh38, 1-based): chr2:178,721,957, G>A on the plus strand (C>T on the coding strand, the complement: TTN is on the minus strand). VCF-style: chr2-178721957-G-A. GRCh37 (hg19) VCF-style: chr2-179586684-G-A.
Other names: c.21755C>T, p.Thr7252Ile (NM_001256850.1); c.18974C>T, p.Thr6325Ile (NM_133378.4); c.13282+16125C>T (NM_003319.4); c.13858+16125C>T (NM_133437.4); c.13657+16125C>T (NM_133432.3); short protein forms T6325I, T7252I, T7569I.
Identifiers: ClinVar variation 3364482 (VCV003364482.2).